The following is an entry in ClinVar:

ClinVar aggregate classification (germline): Uncertain significance (1 of 4 stars; one submission).

Conditions:
Ullrich congenital muscular dystrophy 2 (UCMD2). Identifiers: Orphanet 75840, MedGen C4225314, MONDO:0014654, OMIM 616470.
Bethlem myopathy 2 (BTHLM2). Identifiers: Orphanet 536516, Orphanet 610, MedGen C4225313, MONDO:0034022, OMIM 616471.

Submission:

Labcorp Genetics (formerly Invitae), Labcorp
Classification: Uncertain significance for Bethlem myopathy 2; Ullrich congenital muscular dystrophy 2. Last evaluated: 2018-05-12. Review status: criteria provided, single submitter. Criteria: Invitae Variant Classification Sherloc (09022015). Collection method: clinical testing. Allele origin: germline.
Comment: This variant has not been reported in the literature in individuals with COL12A1-related disease. In summary, the available evidence is currently insufficient to determine the role of this variant in disease. Therefore, it has been classified as a Variant of Uncertain Significance. Algorithms developed to predict the effect of sequence changes on RNA splicing suggest that this variant may create or strengthen a splice site, but this prediction has not been confirmed by published transcriptional studies. Algorithms developed to predict the effect of missense changes on protein structure and function do not agree on the potential impact of this missense change (SIFT: "Deleterious"; PolyPhen-2: "Probably Damaging"; Align-GVGD: "Class C0"). This variant is not present in population databases (ExAC no frequency). This sequence change replaces asparagine with serine at codon 1357 of the COL12A1 protein (p.Asn1357Ser). The asparagine residue is highly conserved and there is a small physicochemical difference between asparagine and serine.

NM_004370.6(COL12A1):c.4070A>G (p.Asn1357Ser)

Gene: COL12A1 (collagen type XII alpha 1 chain; minus strand). Cytogenetic location: 6q13.
Variant type: single nucleotide variant.
Coding change: c.4070A>G on transcript NM_004370.6 (MANE Select); coding-DNA position 4070, A replaced by G.
Protein change: p.Asn1357Ser; replaces asparagine 1357 with serine.
Molecular consequence: missense variant.
Genome position (GRCh38, 1-based): chr6:75,151,218, T>C on the plus strand (A>G on the coding strand, the complement: COL12A1 is on the minus strand). VCF-style: chr6-75151218-T-C. GRCh37 (hg19) VCF-style: chr6-75860934-T-C.
Other names: c.578A>G, p.Asn193Ser (NM_080645.3); short protein forms N1357S, N193S.
Identifiers: ClinVar variation 572923 (VCV000572923.9), dbSNP rs1562230954, ClinGen allele CA364747139.